The following is an entry in ClinVar:

NM_002661.5(PLCG2):c.565-18C>G

Gene: PLCG2 (phospholipase C gamma 2; plus strand). Cytogenetic location: 16q23.3.
Variant type: single nucleotide variant.
Coding change: c.565-18C>G on transcript NM_002661.5 (MANE Select); 18 bases into the intron before coding-DNA position 565, C replaced by G.
Molecular consequence: intron variant.
Genome position (GRCh38, 1-based): chr16:81,870,834, C>G. VCF-style: chr16-81870834-C-G. GRCh37 (hg19) VCF-style: chr16-81904439-C-G.
Identifiers: ClinVar variation 1475328 (VCV001475328.8), dbSNP rs2143532379, ClinGen allele CA2573152732.

ClinVar aggregate classification (germline): Uncertain significance (1 of 4 stars; one submission).

Conditions:
Familial cold autoinflammatory syndrome 3 (FCAS3). Also called: FAMILIAL ATYPICAL COLD URTICARIA; ANTIBODY DEFICIENCY AND IMMUNE DYSREGULATION, PLCG2-ASSOCIATED. Identifiers: Orphanet 300359, MedGen C3280914, MONDO:0013766, OMIM 614468.

Submission:

Labcorp Genetics (formerly Invitae), Labcorp
Classification: Uncertain significance for Familial cold autoinflammatory syndrome 3. Last evaluated: 2022-07-06. Review status: criteria provided, single submitter. Criteria: Invitae Variant Classification Sherloc (09022015). Collection method: clinical testing. Allele origin: germline.
Comment: In summary, the available evidence is currently insufficient to determine the role of this variant in disease. Therefore, it has been classified as a Variant of Uncertain Significance. Algorithms developed to predict the effect of sequence changes on RNA splicing suggest that this variant may disrupt the consensus splice site. ClinVar contains an entry for this variant (Variation ID: 1475328). This variant has not been reported in the literature in individuals affected with PLCG2-related conditions. This variant is not present in population databases (gnomAD no frequency). This sequence change falls in intron 6 of the PLCG2 gene. It does not directly change the encoded amino acid sequence of the PLCG2 protein.